The following is an entry in ClinVar:

NM_000053.4(ATP7B):c.4076_4077delinsAT (p.Met1359Asn)

Gene: ATP7B (ATPase copper transporting beta; minus strand). Cytogenetic location: 13q14.3.
Variant type: Indel.
Coding change: c.4076_4077delinsAT on transcript NM_000053.4 (MANE Select); coding-DNA positions 4076 to 4077, TG replaced by AT.
Protein change: p.Met1359Asn; replaces methionine 1359 with asparagine.
Molecular consequence: missense variant.
Genome position (GRCh38, 1-based): chr13:51,935,640-51,935,641, CA replaced by AT on the plus strand (TG replaced by AT on the coding strand, the reverse complement: ATP7B is on the minus strand). VCF-style: chr13-51935640-CA-AT. GRCh37 (hg19) VCF-style: chr13-52509776-CA-AT.
Other names: c.3455_3456delinsAT, p.Met1152Asn (NM_001005918.3); c.3743_3744delinsAT, p.Met1248Asn (NM_001243182.2); c.3842_3843delinsAT, p.Met1281Asn (NM_001330578.2); c.3824_3825delinsAT, p.Met1275Asn (NM_001330579.2); c.4076_4077delTGinsAT, p.Met1359Asn (NM_001406511.1, NM_001406512.1); c.4070_4071delTGinsAT, p.Met1357Asn (NM_001406513.1); c.4043_4044delTGinsAT, p.Met1348Asn (NM_001406514.1); c.4022_4023delTGinsAT, p.Met1341Asn (NM_001406515.1, NM_001406516.1); and 23 more; short protein forms M1216N, M1291N, M1300N, M1314N, M1341N, M1078N, M1152N, M1197N.
Identifiers: ClinVar variation 2009568 (VCV002009568.4), dbSNP rs2547551259, ClinGen allele CA2580087680.

ClinVar aggregate classification (germline): Uncertain significance (1 of 4 stars; one submission).

Conditions:
Wilson disease (WND). Also called: Wilson's disease. Identifiers: Orphanet 905, MedGen C0019202, MONDO:0010200, OMIM 277900. Disease mechanism: loss of function.

Submission:

Labcorp Genetics (formerly Invitae), Labcorp
Classification: Uncertain significance for Wilson disease. Last evaluated: 2022-06-23. Review status: criteria provided, single submitter. Criteria: Invitae Variant Classification Sherloc (09022015). Collection method: clinical testing. Allele origin: germline.
Comment: In summary, the available evidence is currently insufficient to determine the role of this variant in disease. Therefore, it has been classified as a Variant of Uncertain Significance. This variant disrupts the p.Met1359 amino acid residue in ATP7B. Other variant(s) that disrupt this residue have been determined to be pathogenic (Invitae). This suggests that this residue is clinically significant, and that variants that disrupt this residue are likely to be disease-causing. Algorithms developed to predict the effect of missense changes on protein structure and function are either unavailable or do not agree on the potential impact of this missense change (SIFT: "Not Available"; PolyPhen-2: "Possibly Damaging"; Align-GVGD: "Not Available"). This missense change has been observed in individual(s) with Wilson disease (Invitae). Information on the frequency of this variant in the gnomAD database is not available, as this variant may be reported differently in the database. This sequence change replaces methionine, which is neutral and non-polar, with asparagine, which is neutral and polar, at codon 1359 of the ATP7B protein (p.Met1359Asn).